The following is an entry in ClinVar:

ClinVar aggregate classification (germline): Uncertain significance (1 of 4 stars; one submission).

Allele frequency attached by ClinVar (database versions not stated): gnomAD 0.00001; TOPMed 0.00002.
gnomAD v4.1: 11 of 1,612,346 alleles (0.00068%); highest among the groups gnomAD compares: African/African-American, 0.004%; no homozygotes.

Submission:

Labcorp Genetics (formerly Invitae), Labcorp
Classification: Uncertain significance. Last evaluated: 2021-03-15. Review status: criteria provided, single submitter. Criteria: Invitae Variant Classification Sherloc (09022015). Collection method: clinical testing. Allele origin: germline.
Comment: This variant is not present in population databases (ExAC no frequency). In summary, the available evidence is currently insufficient to determine the role of this variant in disease. Therefore, it has been classified as a Variant of Uncertain Significance. Algorithms developed to predict the effect of missense changes on protein structure and function (SIFT, PolyPhen-2, Align-GVGD) all suggest that this variant is likely to be tolerated, but these predictions have not been confirmed by published functional studies and their clinical significance is uncertain. This variant has not been reported in the literature in individuals with SULF1-related conditions. This sequence change replaces threonine with methionine at codon 769 of the SULF1 protein (p.Thr769Met). The threonine residue is moderately conserved and there is a moderate physicochemical difference between threonine and methionine.

NM_001128205.2(SULF1):c.2306C>T (p.Thr769Met)

Gene: SULF1 (sulfatase 1; plus strand). Cytogenetic location: 8q13.3.
Variant type: single nucleotide variant.
Coding change: c.2306C>T on transcript NM_001128205.2 (MANE Select); coding-DNA position 2306, C replaced by T.
Protein change: p.Thr769Met; replaces threonine 769 with methionine.
Molecular consequence: missense variant. On other transcripts: non-coding transcript variant (1).
Genome position (GRCh38, 1-based): chr8:69,638,523, C>T. VCF-style: chr8-69638523-C-T. GRCh37 (hg19) VCF-style: chr8-70550758-C-T.
Other names: c.2306C>T, p.Thr769Met (NM_001128204.2, NM_001128206.2, NM_015170.3); short protein forms T769M.
Identifiers: ClinVar variation 1408213 (VCV001408213.8), dbSNP rs957456132, ClinGen allele CA178286159.